The following is an entry in ClinVar:

NM_001042424.3(NSD2):c.597+17G>A

Gene: NSD2 (nuclear receptor binding SET domain protein 2; plus strand). Cytogenetic location: 4p16.3.
Variant type: single nucleotide variant.
Coding change: c.597+17G>A on transcript NM_001042424.3 (MANE Select); 17 bases into the intron after coding-DNA position 597, G replaced by A.
Molecular consequence: intron variant. On other transcripts: missense variant (1).
Genome position (GRCh38, 1-based): chr4:1,901,268, G>A. VCF-style: chr4-1901268-G-A. GRCh37 (hg19) VCF-style: chr4-1902995-G-A.
Other names: c.614G>A, p.Cys205Tyr (NM_001440893.1); c.597+17G>A (NM_001440892.1, NM_001440894.1, NM_001440895.1 and 8 more transcripts); c.-477+17G>A (NM_001440900.1); c.-210+17G>A (NM_001440899.1); short protein forms C205Y.
Identifiers: ClinVar variation 2691606 (VCV002691606.1), dbSNP rs747220169, ClinGen allele CA2811904.

ClinVar aggregate classification (germline): Uncertain significance (1 of 4 stars; one submission).

Allele frequency attached by ClinVar (database versions not stated): ExAC 0.00001; gnomAD 0.00002; TOPMed 0.00002.
gnomAD v4.1: 12 of 1,542,728 alleles (0.00078%); highest among the groups gnomAD compares: Non-Finnish European, 0.001%; no homozygotes.

Submission:

Women's Health and Genetics/Laboratory Corporation of America, LabCorp
Classification: Uncertain significance. Last evaluated: 2023-12-11. Review status: criteria provided, single submitter. Criteria: LabCorp Variant Classification Summary - May 2015. Collection method: clinical testing. Allele origin: germline.
Comment: Variant summary: WHSC1 c.597+17G>A alters a non-conserved nucleotide located at a position not widely known to affect splicing. Several computational tools predict a significant impact on normal splicing: Two predict the variant strengthens a cryptic 5' donor site. However, these predictions have yet to be confirmed by functional studies. The variant allele was found at a frequency of 1.9e-05 in 214716 control chromosomes. The available data on variant occurrences in the general population are insufficient to allow any conclusion about variant significance. To our knowledge, no occurrence of c.597+17G>A in individuals affected with Rauch-Steindl Syndrome and no experimental evidence demonstrating its impact on protein function have been reported. No submitters have cited clinical-significance assessments for this variant to ClinVar after 2014. Based on the evidence outlined above, the variant was classified as uncertain significance.